The following is an entry in ClinVar:

ClinVar aggregate classification (germline): Uncertain significance. Review status: criteria provided, multiple submitters, no conflicts (2 of 4 stars). 2 submissions from 2 submitters: Uncertain significance (2). Last evaluated 2025-02-02.

Conditions:
Methylmalonic acidemia with homocystinuria, type cblX (MAHCX). Also called: INTELLECTUAL DEVELOPMENTAL DISORDER, X-LINKED 3. Identifiers: Orphanet 369962, MedGen C0796208, MONDO:0010657, OMIM 309541.

Allele frequency attached by ClinVar (database versions not stated): gnomAD exomes below 0.00001; gnomAD 0.00001; TOPMed 0.00002.
gnomAD v4.1: 5 of 1,208,650 alleles (0.00041%); highest among the groups gnomAD compares: East Asian, 0.003%; no homozygotes.

Submissions (2):

Labcorp Genetics (formerly Invitae), Labcorp
Classification: Uncertain significance for Methylmalonic acidemia with homocystinuria, type cblX. Last evaluated: 2025-02-02. Review status: criteria provided, single submitter. Criteria: Invitae Variant Classification Sherloc (09022015). Collection method: clinical testing. Allele origin: germline.
Comment: This sequence change replaces valine, which is neutral and non-polar, with isoleucine, which is neutral and non-polar, at codon 1845 of the HCFC1 protein (p.Val1845Ile). This variant is present in population databases (no rsID available, gnomAD 0.1%). This variant has not been reported in the literature in individuals affected with HCFC1-related conditions. ClinVar contains an entry for this variant (Variation ID: 2499249). Invitae Evidence Modeling of protein sequence and biophysical properties (such as structural, functional, and spatial information, amino acid conservation, physicochemical variation, residue mobility, and thermodynamic stability) indicates that this missense variant is not expected to disrupt HCFC1 protein function with a negative predictive value of 80%. In summary, the available evidence is currently insufficient to determine the role of this variant in disease. Therefore, it has been classified as a Variant of Uncertain Significance.

GeneDx
Classification: Uncertain significance. Last evaluated: 2022-10-15. Review status: criteria provided, single submitter. Criteria: GeneDx Variant Classification Process June 2021. Collection method: clinical testing. Allele origin: germline. Affected: yes.
Comment: Not observed at significant frequency in large population cohorts (gnomAD); In silico analysis supports that this missense variant does not alter protein structure/function; Has not been previously published as pathogenic or benign to our knowledge

NM_005334.3(HCFC1):c.5533G>A (p.Val1845Ile)

Gene: HCFC1 (host cell factor C1; minus strand). Cytogenetic location: Xq28.
Variant type: single nucleotide variant.
Coding change: c.5533G>A on transcript NM_005334.3 (MANE Select); coding-DNA position 5533, G replaced by A.
Protein change: p.Val1845Ile; replaces valine 1845 with isoleucine.
Molecular consequence: missense variant.
Genome position (GRCh38, 1-based): chrX:153,950,983, C>T on the plus strand (G>A on the coding strand, the complement: HCFC1 is on the minus strand). VCF-style: chrX-153950983-C-T. GRCh37 (hg19) VCF-style: chrX-153216434-C-T.
Other names: c.5668G>A, p.Val1890Ile (NM_001410705.1); short protein forms V1845I, V1890I.
Identifiers: ClinVar variation 2499249 (VCV002499249.2), dbSNP rs1400195721, ClinGen allele CA415103789.